The following is an entry in ClinVar:

NM_177559.3(CSNK2A1):c.298A>G (p.Ile100Val)

Gene: CSNK2A1 (casein kinase 2 alpha 1; minus strand). Cytogenetic location: 20p13.
Variant type: single nucleotide variant.
Coding change: c.298A>G on transcript NM_177559.3 (MANE Select); coding-DNA position 298, A replaced by G.
Protein change: p.Ile100Val; replaces isoleucine 100 with valine.
Molecular consequence: missense variant. On other transcripts: 5 prime UTR variant (1).
Genome position (GRCh38, 1-based): chr20:499,850, T>C on the plus strand (A>G on the coding strand, the complement: CSNK2A1 is on the minus strand). VCF-style: chr20-499850-T-C. GRCh37 (hg19) VCF-style: chr20-480494-T-C.
Other names: c.298A>G, p.Ile100Val (NM_001362770.2, NM_001362771.2, NM_001895.4); c.-111A>G (NM_177560.3); short protein forms I100V.
Identifiers: ClinVar variation 3901396 (VCV003901396.2).

ClinVar aggregate classification (germline): Uncertain significance (1 of 4 stars; one submission).

Submission:

GeneDx
Classification: Uncertain significance. Last evaluated: 2026-02-11. Review status: criteria provided, single submitter. Criteria: GeneDx Variant Classification Process June 2021. Collection method: clinical testing. Allele origin: germline. Affected: yes.
Comment: Not observed at significant frequency in large population cohorts (gnomAD); In silico analysis suggests that this missense variant does not alter protein structure/function; Has not been previously published as pathogenic or benign to our knowledge